The following is an entry in ClinVar:

NM_000222.3(KIT):c.1924A>C (p.Lys642Gln)

Gene: KIT (KIT proto-oncogene, receptor tyrosine kinase; plus strand). Cytogenetic location: 4q12.
Variant type: single nucleotide variant.
Coding change: c.1924A>C on transcript NM_000222.3 (MANE Select); coding-DNA position 1924, A replaced by C.
Protein change: p.Lys642Gln; replaces lysine 642 with glutamine.
Molecular consequence: missense variant.
Genome position (GRCh38, 1-based): chr4:54,728,055, A>C. VCF-style: chr4-54728055-A-C. GRCh37 (hg19) VCF-style: chr4-55594221-A-C.
Other names: c.1912A>C, p.Lys638Gln (NM_001093772.2, NM_001385286.1); c.1927A>C, p.Lys643Gln (NM_001385284.1, NM_001385290.1); c.1924A>C, p.Lys642Gln (NM_001385285.1); c.1915A>C, p.Lys639Gln (NM_001385288.1, NM_001385292.1); short protein forms K638Q, K639Q, K642Q, K643Q.
Identifiers: ClinVar variation 2568309 (VCV002568309.6), dbSNP rs121913512, ClinGen allele CA356908588.

ClinVar aggregate classification (germline): Uncertain significance. Review status: criteria provided, multiple submitters, no conflicts (2 of 4 stars). 3 submissions from 3 submitters: Uncertain significance (3). Last evaluated 2024-12-23.

Conditions:
Acute myeloid leukemia (AML). Also called: Acute myeloid leukemia, adult; AML adult; Acute non-lymphocytic leukemia; Acute granulocytic leukemia; Leukemia, acute myelogenous, somatic; Leukemia, acute myeloid, somatic. Identifiers: Orphanet 519, MedGen C0023467, MeSH D015470, MONDO:0018874, OMIM 601626, HP:0004808. Disease mechanism: Constitutively activated FLT3.
Cutaneous mastocytosis. Also called: MASTOCYTOSIS, MACULOPAPULAR CUTANEOUS. Identifiers: Orphanet 66646, MedGen C1136033, MONDO:0019023, OMIM 154800, HP:0200151.
Germ cell tumor of testis (TGCT). Also called: GERM CELL TUMOR, SOMATIC; Testicular germ cell tumor. Identifiers: Orphanet 363504, MedGen C1336708, MONDO:0010108, OMIM 273300.
Gastrointestinal stromal tumor. Also called: Gastrointestinal stroma tumor; Gastrointestinal stromal tumor, somatic. Identifiers: Orphanet 44890, MedGen C0238198, MeSH D046152, MONDO:0011719, OMIM 606764, HP:0100723.
Piebaldism. Also called: Piebald skin depigmentation. Identifiers: Orphanet 2884, MedGen C0080024, MONDO:0008244, OMIM 172800, HP:0007544.
Hereditary cancer-predisposing syndrome. Also called: Neoplastic Syndromes, Hereditary; Tumor predisposition; Hereditary Cancer Syndrome; Hereditary neoplastic syndrome. Identifiers: Orphanet 140162, MedGen C0027672, MeSH D009386, MONDO:0015356.

Allele frequency attached by ClinVar (database versions not stated): TOPMed below 0.00001.

Submissions (3):

Labcorp Genetics (formerly Invitae), Labcorp
Classification: Uncertain significance for Gastrointestinal stromal tumor. Last evaluated: 2024-12-23. Review status: criteria provided, single submitter. Criteria: Invitae Variant Classification Sherloc (09022015). Collection method: clinical testing. Allele origin: germline.
Comment: This sequence change replaces lysine, which is basic and polar, with glutamine, which is neutral and polar, at codon 642 of the KIT protein (p.Lys642Gln). This variant is not present in population databases (gnomAD no frequency). This missense change has been observed in individual(s) with clinical features of gastrointestinal stromal tumor syndrome (PMID: 27263309). ClinVar contains an entry for this variant (Variation ID: 2568309). An algorithm developed to predict the effect of missense changes on protein structure and function (PolyPhen-2) suggests that this variant is likely to be disruptive. This variant disrupts the p.Lys642 amino acid residue in KIT. Other variant(s) that disrupt this residue have been determined to be pathogenic (PMID: 11073817, 17824795, 22626674, 23648119, 29098070). This suggests that this residue is clinically significant, and that variants that disrupt this residue are likely to be disease-causing. In summary, the available evidence is currently insufficient to determine the role of this variant in disease. Therefore, it has been classified as a Variant of Uncertain Significance.

Fulgent Genetics
Classification: Uncertain significance for Cutaneous mastocytosis; Piebaldism; Germ cell tumor of testis; Acute myeloid leukemia; Gastrointestinal stromal tumor. Last evaluated: 2024-04-09. Review status: criteria provided, single submitter. Criteria: ACMG Guidelines, 2015. Collection method: clinical testing. Allele origin: germline.

Ambry Genetics
Classification: Uncertain significance for Hereditary cancer-predisposing syndrome. Last evaluated: 2023-05-17. Review status: criteria provided, single submitter. Criteria: Ambry Variant Classification Scheme 2023. Collection method: clinical testing. Allele origin: germline.
Comment: The p.K642Q variant (also known as c.1924A>C), located in coding exon 13 of the KIT gene, results from an A to C substitution at nucleotide position 1924. The lysine at codon 642 is replaced by glutamine, an amino acid with similar properties. This amino acid position is highly conserved in available vertebrate species. In addition, this alteration is predicted to be deleterious by in silico analysis. Since supporting evidence is limited at this time, the clinical significance of this alteration remains unclear.

Literature cited by the submitters: PubMed 27263309 (cited by Labcorp Genetics (formerly Invitae), Labcorp); PubMed 11073817 (cited by Labcorp Genetics (formerly Invitae), Labcorp); PubMed 17824795 (cited by Labcorp Genetics (formerly Invitae), Labcorp); PubMed 22626674 (cited by Labcorp Genetics (formerly Invitae), Labcorp); PubMed 23648119 (cited by Labcorp Genetics (formerly Invitae), Labcorp); PubMed 29098070 (cited by Labcorp Genetics (formerly Invitae), Labcorp).